The following is an entry in ClinVar:

ClinVar aggregate classification (germline): Uncertain significance (1 of 4 stars; one submission).

gnomAD v4.1: 1 of 1,612,766 alleles (0.000062%); highest among the groups gnomAD compares: Non-Finnish European, 0.000085%; no homozygotes.

Submission:

GeneDx
Classification: Uncertain significance. Last evaluated: 2025-08-07. Review status: criteria provided, single submitter. Criteria: GeneDx Variant Classification Process June 2021. Collection method: clinical testing. Allele origin: germline. Affected: yes.
Comment: Not observed at significant frequency in large population cohorts (gnomAD); In silico analysis supports that this missense variant has a deleterious effect on protein structure/function; Has not been previously published as pathogenic or benign to our knowledge

NM_198514.4(NHLRC2):c.391A>G (p.Asn131Asp)

Gene: NHLRC2 (NHL repeat containing 2; plus strand). Cytogenetic location: 10q25.3.
Variant type: single nucleotide variant.
Coding change: c.391A>G on transcript NM_198514.4 (MANE Select); coding-DNA position 391, A replaced by G.
Protein change: p.Asn131Asp; replaces asparagine 131 with aspartic acid.
Molecular consequence: missense variant.
Genome position (GRCh38, 1-based): chr10:113,876,580, A>G. VCF-style: chr10-113876580-A-G. GRCh37 (hg19) VCF-style: chr10-115636339-A-G.
Other names: short protein forms N131D.
Identifiers: ClinVar variation 4755642 (VCV004755642.1).